The following is an entry in ClinVar:

NM_003590.5(CUL3):c.1376A>C (p.Lys459Thr)

Gene: CUL3 (cullin 3; minus strand). Cytogenetic location: 2q36.2.
Variant type: single nucleotide variant.
Coding change: c.1376A>C on transcript NM_003590.5 (MANE Select); coding-DNA position 1376, A replaced by C.
Protein change: p.Lys459Thr; replaces lysine 459 with threonine.
Molecular consequence: missense variant.
Genome position (GRCh38, 1-based): chr2:224,503,653, T>G on the plus strand (A>C on the coding strand, the complement: CUL3 is on the minus strand). VCF-style: chr2-224503653-T-G. GRCh37 (hg19) VCF-style: chr2-225368370-T-G.
Other names: c.1178A>C, p.Lys393Thr (NM_001257197.2); c.1394A>C, p.Lys465Thr (NM_001257198.2); short protein forms K393T, K459T, K465T.
Identifiers: ClinVar variation 3344665 (VCV003344665.2).

ClinVar aggregate classification (germline): Uncertain significance. Review status: criteria provided, single submitter (1 of 4 stars). 2 submissions from 2 submitters: Uncertain significance (1). 1 of the submissions does not count toward it. Last evaluated 2025-02-14.

Conditions:
CUL3-related disorder. Also called: CUL3-related condition; CUL3-related disorders.

Submissions (2):

GeneDx
Classification: Uncertain significance. Last evaluated: 2025-02-14. Review status: criteria provided, single submitter. Criteria: GeneDx Variant Classification Process June 2021. Collection method: clinical testing. Allele origin: germline. Affected: yes.
Comment: Not observed at significant frequency in large population cohorts (gnomAD); In silico analysis supports that this missense variant has a deleterious effect on protein structure/function; Has not been previously published as pathogenic or benign to our knowledge; In silico analysis suggests this variant may impact gene splicing. In the absence of RNA/functional studies, the actual effect of this sequence change is unknown.

PreventionGenetics, part of Exact Sciences
Classification: Uncertain significance for CUL3-related condition. Last evaluated: 2024-07-12. Review status: no assertion criteria provided. Collection method: clinical testing. Allele origin: germline. Not counted in ClinVar's aggregate classification.
Comment: The CUL3 c.1376A>C variant is predicted to result in the amino acid substitution p.Lys459Thr. This variant is also predicted to possibly impact splicing (SpliceAI, Jaganathan K, et al. 2019. PubMed ID: 30661751). To our knowledge, this variant has not been reported in the literature or in a large population database, indicating this variant is rare. Other amino acid substitutions at this position (p.Lys459Arg, p.Lys459Met) have been reported in patients with pseudohypoaldosteronism type II (Boyden et al. 2012. PubMed ID: 22266938; Wang et al. 2022. PubMed ID: 35703886). Although we suspect this variant could be pathogenic, at this time, the clinical significance of this variant is uncertain due to the absence of conclusive functional and genetic evidence.